The following is an entry in ClinVar:

NM_001177316.2(SLC34A3):c.1063G>A (p.Ala355Thr)

Gene: SLC34A3 (solute carrier family 34 member 3; plus strand). Cytogenetic location: 9q34.3.
Variant type: single nucleotide variant.
Coding change: c.1063G>A on transcript NM_001177316.2 (MANE Select); coding-DNA position 1063, G replaced by A.
Protein change: p.Ala355Thr; replaces alanine 355 with threonine.
Molecular consequence: missense variant.
Genome position (GRCh38, 1-based): chr9:137,234,246, G>A. VCF-style: chr9-137234246-G-A. GRCh37 (hg19) VCF-style: chr9-140128698-G-A.
Other names: c.1063G>A, p.Ala355Thr (NM_001177317.2, NM_080877.3); short protein forms A355T.
Identifiers: ClinVar variation 1498325 (VCV001498325.6), dbSNP rs138702939, ClinGen allele CA5364750.

ClinVar aggregate classification (germline): Uncertain significance. Review status: criteria provided, multiple submitters, no conflicts (2 of 4 stars). 3 submissions from 3 submitters: Uncertain significance (3). Last evaluated 2024-02-17.

Conditions:
Inborn genetic diseases. Identifiers: MedGen C0950123, MeSH D030342.
Autosomal recessive hypophosphatemic bone disease (HHRH). Also called: HYPERCALCIURIC RICKETS; Hypophosphatemic rickets with hypercalciuria. Identifiers: Orphanet 157215, MedGen C1853271, MONDO:0009431, OMIM 241530.

Allele frequency attached by ClinVar (database versions not stated): gnomAD exomes below 0.00001 and 0.00001; ExAC 0.00001; gnomAD 0.00001; TOPMed 0.00002.
gnomAD v4.1: 5 of 1,610,498 alleles (0.00031%); highest among the groups gnomAD compares: Admixed American, 0.0033%; no homozygotes.

Submissions (3):

Ambry Genetics
Classification: Uncertain significance for Inborn genetic diseases. Last evaluated: 2024-02-17. Review status: criteria provided, single submitter. Criteria: Ambry Variant Classification Scheme 2023. Collection method: clinical testing. Allele origin: germline.

Fulgent Genetics
Classification: Uncertain significance for Autosomal recessive hypophosphatemic bone disease. Last evaluated: 2024-02-03. Review status: criteria provided, single submitter. Criteria: ACMG Guidelines, 2015. Collection method: clinical testing. Allele origin: germline.

Labcorp Genetics (formerly Invitae), Labcorp
Classification: Uncertain significance. Last evaluated: 2022-07-26. Review status: criteria provided, single submitter. Criteria: Invitae Variant Classification Sherloc (09022015). Collection method: clinical testing. Allele origin: germline.
Comment: This sequence change replaces alanine, which is neutral and non-polar, with threonine, which is neutral and polar, at codon 355 of the SLC34A3 protein (p.Ala355Thr). This variant is present in population databases (rs138702939, gnomAD 0.003%). This variant has not been reported in the literature in individuals affected with SLC34A3-related conditions. ClinVar contains an entry for this variant (Variation ID: 1498325). Algorithms developed to predict the effect of missense changes on protein structure and function are either unavailable or do not agree on the potential impact of this missense change (SIFT: "Deleterious"; PolyPhen-2: "Probably Damaging"; Align-GVGD: "Class C0"). In summary, the available evidence is currently insufficient to determine the role of this variant in disease. Therefore, it has been classified as a Variant of Uncertain Significance.